The following is an entry in ClinVar:

ClinVar aggregate classification (germline): Likely benign. Review status: criteria provided, multiple submitters, no conflicts (2 of 4 stars). 3 submissions from 3 submitters: Likely benign (3). Last evaluated 2023-03-01.

Conditions:
Inborn genetic diseases. Identifiers: MedGen C0950123, MeSH D030342.
Developmental and epileptic encephalopathy, 30 (DEE30). Also called: Epileptic encephalopathy, early infantile, 30. Identifiers: MedGen C4225360, MONDO:0014595, OMIM 616341.

Submissions (3):

CeGaT Center for Human Genetics Tuebingen
Classification: Likely benign. Last evaluated: 2023-03-01. Review status: criteria provided, single submitter. Criteria: CeGaT Center For Human Genetics Tuebingen Variant Classification Criteria Version 2. Collection method: clinical testing. Allele origin: germline. Affected: yes. Observed: 1 variant allele.
Comment: SIK1: PM2:Supporting, BP4, BP7

Labcorp Genetics (formerly Invitae), Labcorp
Classification: Likely benign for Developmental and epileptic encephalopathy, 30. Last evaluated: 2022-09-02. Review status: criteria provided, single submitter. Criteria: Invitae Variant Classification Sherloc (09022015). Collection method: clinical testing. Allele origin: germline.

Ambry Genetics
Classification: Likely benign for Inborn genetic diseases. Last evaluated: 2019-01-30. Review status: criteria provided, single submitter. Criteria: Ambry Variant Classification Scheme 2023. Collection method: clinical testing. Allele origin: germline.

NM_173354.5(SIK1):c.87C>T (p.Ile29=)

Gene: SIK1 (salt inducible kinase 1; minus strand). Cytogenetic location: 21q22.3.
Variant type: single nucleotide variant.
Coding change: c.87C>T on transcript NM_173354.5 (MANE Select); coding-DNA position 87, C replaced by T.
Protein change: p.Ile29=; no amino-acid change (isoleucine 29 retained).
Molecular consequence: synonymous variant.
Genome position (GRCh38, 1-based): chr21:43,426,092, G>A on the plus strand (C>T on the coding strand, the complement: SIK1 is on the minus strand). VCF-style: chr21-43426092-G-A. GRCh37 (hg19) VCF-style: chr21-44845972-G-A.
Identifiers: ClinVar variation 1764718 (VCV001764718.31), dbSNP rs1193139106, ClinGen allele CA2580098775.